The following is an entry in ClinVar:

ClinVar aggregate classification (germline): Conflicting classifications of pathogenicity. Review status: criteria provided, conflicting classifications (1 of 4 stars). 12 submissions from 12 submitters: Uncertain significance (10); Likely benign (2). Last evaluated 2026-06-30.

Conditions:
OTOF-related disorder. Also called: OTOF-related condition.
Autosomal recessive nonsyndromic hearing loss 9. Also called: NEUROSENSORY NONSYNDROMIC RECESSIVE DEAFNESS 9; Deafness, autosomal recessive 9; OTOF-Related Hearing Loss; AUDITORY NEUROPATHY, AUTOSOMAL RECESSIVE, 1, TEMPERATURE-SENSITIVE. Identifiers: Orphanet 90636, MedGen C1832828, MONDO:0010986, OMIM 601071.
Hearing impairment. Also called: Impaired Hearing. Identifiers: MedGen C1384666, MONDO:0005365, HP:0000365.

Allele frequency attached by ClinVar (database versions not stated): ESP Exome Variant Server 0.00062; TOPMed 0.00063; gnomAD exomes 0.00077; ExAC 0.00082; gnomAD 0.00091 and 0.00093.
gnomAD v4.1: 1,206 of 1,609,512 alleles (0.075%); highest among the groups gnomAD compares: Non-Finnish European, 0.084%; 2 homozygotes.

Submissions (12):

PreventionGenetics, part of Exact Sciences
Classification: Uncertain significance for OTOF-related condition. Last evaluated: 2026-06-30. Review status: criteria provided, single submitter. Criteria: ACMG Guidelines, 2015. Collection method: clinical testing. Allele origin: germline.
Comment: The OTOF c.1630C>T variant is predicted to result in the amino acid substitution p.Arg544Cys. This variant was reported in an individual with hearing loss together with second variant in OTOF (Table S2; Sommen et al. 2016. PubMed ID: 27068579). This variant was also observed in another patient with hearing loss who, however, harbored also two pathogenic variants in SLC26A4 in compound heterozygous state (Table 2, Yamamoto et al. 2023. PubMed ID: 37473993).This variant is reported in 0.15% of alleles in individuals of European (Non-Finnish) descent in gnomAD, which is higher than expected for causative variant in this gene. Although we suspect that this variant may be benign, at this time, the clinical significance of this variant is uncertain due to the absence of conclusive functional and genetic evidence.

CeGaT Center for Human Genetics Tuebingen
Classification: Likely benign. Last evaluated: 2026-04-01. Review status: criteria provided, single submitter. Criteria: CeGaT Center For Human Genetics Tuebingen Variant Classification Criteria Version 2. Collection method: clinical testing. Allele origin: germline. Affected: yes. Observed: 3 variant alleles.
Comment: OTOF: PP3, BS2

Labcorp Genetics (formerly Invitae), Labcorp
Classification: Likely benign. Last evaluated: 2026-02-02. Review status: criteria provided, single submitter. Criteria: Invitae Variant Classification Sherloc (09022015). Collection method: clinical testing. Allele origin: germline.

GeneDx
Classification: Uncertain significance. Last evaluated: 2025-10-13. Review status: criteria provided, single submitter. Criteria: GeneDx Variant Classification Process June 2021. Collection method: clinical testing. Allele origin: germline. Affected: yes.
Comment: Observed in a patient with hearing loss in published literature (PMID: 27068579); Seen heterozygous in a patient with sensorineural hearing loss in the published literature. A second OTOF variant was not identified (PMID: 39161163); In silico analysis supports that this missense variant has a deleterious effect on protein structure/function; This variant is associated with the following publications: (PMID: 34426522, 27068579, 20146813, 39161163)

Blueprint Genetics
Classification: Uncertain significance. Last evaluated: 2024-11-05. Review status: criteria provided, single submitter. Criteria: ACMG Guidelines, 2015. Collection method: clinical testing. Allele origin: germline.

Women's Health and Genetics/Laboratory Corporation of America, LabCorp
Classification: Uncertain significance. Last evaluated: 2023-02-14. Review status: criteria provided, single submitter. Criteria: LabCorp Variant Classification Summary - May 2015. Collection method: clinical testing. Allele origin: germline.
Comment: Variant summary: OTOF c.1630C>T (p.Arg544Cys) results in a non-conservative amino acid change located in the Ferlin, third C2 domain (IPR037722) of the encoded protein sequence. Five of five in-silico tools predict a damaging effect of the variant on protein function. The variant allele was found at a frequency of 0.00077 in 249668 control chromosomes. This frequency is not significantly higher than estimated for a pathogenic variant in OTOF causing Nonsyndromic Hearing Loss And Deafness, Type 9 (0.00077 vs 0.0011), allowing no conclusion about variant significance. c.1630C>T has been reported in the literature in individuals affected with Nonsyndromic Hearing Loss without evidence of cosegregation (Kothiyal_2010, Sommen_2016). These reports do not provide unequivocal conclusions about association of the variant with Nonsyndromic Hearing Loss And Deafness, Type 9. To our knowledge, no experimental evidence demonstrating an impact on protein function has been reported. Eight submitters have provided clinical-significance assessments for this variant to ClinVar after 2014, and classified the variants as likely benign (n=1) or uncertain significance (n=7). Based on the evidence outlined above, the variant was classified as uncertain significance.

Fulgent Genetics
Classification: Uncertain significance for Autosomal recessive nonsyndromic hearing loss 9. Last evaluated: 2022-02-16. Review status: criteria provided, single submitter. Criteria: ACMG Guidelines, 2015. Collection method: clinical testing. Allele origin: unknown.

Department of Otolaryngology – Head & Neck Surgery, Cochlear Implant Center
Classification: Uncertain significance for Hearing impairment. Last evaluated: 2021-04-12. Review status: criteria provided, single submitter. Criteria: ClinGen HL ACMG Specifications v1. Collection method: clinical testing. Allele origin: germline. Affected: yes.
Comment: PP3_Supporting

Athena Diagnostics
Classification: Uncertain significance. Last evaluated: 2019-05-14. Review status: criteria provided, single submitter. Criteria: Athena Diagnostics Criteria. Collection method: clinical testing. Allele origin: germline.

Laboratory for Molecular Medicine, Mass General Brigham Personalized Medicine
Classification: Uncertain significance. Last evaluated: 2018-08-21. Review status: criteria provided, single submitter. Criteria: LMM Criteria. Collection method: clinical testing. Allele origin: germline. Observed: 7 variant alleles.
Comment: The p.Arg544Cys variant in OTOF has been identified in 1 individual with autosom al recessive sensorineural hearing loss who carried a second OTOF variant of unc ertain significance; it is unclear whether these variants are in trans (Sommen 2 016). The p.Arg544Cys variant has also been identified by our laboratory in 6 in dividuals with hearing loss; however, none of these individuals carried a varian t affecting the other copy of the OTOF gene or was reported to have auditory neu ropathy typically associated with OTOF related hearing loss. This variant has be en reported in ClinVar (Variation ID: 48176). It has been identified in 0.15% (1 93/125430) of European chromosomes by the Genome Aggregation Database (gnomAD); however, this frequency is not high enough to rule out a pathogenic role. Computational prediction tools and conservation anal ysis suggest that the p.Arg544Cys variant may impact the protein, though this in formation is not predictive enough to determine pathogenicity. In summary, the c linical significance of the p.Arg544Cys variant is uncertain. ACMG/AMP Criteria applied: PP3, BS1_Supporting.

Illumina Laboratory Services, Illumina
Classification: Uncertain significance for Autosomal recessive nonsyndromic hearing loss 9. Last evaluated: 2018-01-12. Review status: criteria provided, single submitter. Criteria: ICSL Variant Classification Criteria 13 December 2019. Collection method: clinical testing. Allele origin: germline.

Eurofins Ntd Llc (ga)
Classification: Uncertain significance. Last evaluated: 2016-12-20. Review status: criteria provided, single submitter. Criteria: EGL Classification Definitions 2015. Collection method: clinical testing. Allele origin: germline. Observed: 1 variant allele, 1 heterozygote.

Literature cited by the submitters: PubMed 27068579 (cited by 3 submitters); PubMed 20146813 (cited by Women's Health and Genetics/Laboratory Corporation of America, LabCorp and Athena Diagnostics).

NM_194248.3(OTOF):c.1630C>T (p.Arg544Cys)

Gene: OTOF (otoferlin; minus strand). Cytogenetic location: 2p23.3.
Variant type: single nucleotide variant.
Coding change: c.1630C>T on transcript NM_194248.3 (MANE Select); coding-DNA position 1630, C replaced by T.
Protein change: p.Arg544Cys; replaces arginine 544 with cysteine.
Molecular consequence: missense variant.
Genome position (GRCh38, 1-based): chr2:26,480,959, G>A on the plus strand (C>T on the coding strand, the complement: OTOF is on the minus strand). VCF-style: chr2-26480959-G-A. GRCh37 (hg19) VCF-style: chr2-26703827-G-A.
Other names: c.1630C>T, p.Arg544Cys (NM_001287489.2); short protein forms R544C.
Identifiers: ClinVar variation 48176 (VCV000048176.42), dbSNP rs139954767, ClinGen allele CA142756.